The following is an entry in ClinVar:

ClinVar aggregate classification (germline): Pathogenic (1 of 4 stars; one submission).

Submission:

ISCA Site 6
Classification: Pathogenic. Last evaluated: 2011-08-12. Review status: criteria provided, single submitter. Criteria: Kaminsky et al. (Genet Med. 2011). Collection method: clinical testing. Allele origin: unknown. Affected: yes. Observed: 1 variant allele.
Comment: Copy number variation identified through the course of routine clinical cytogenomic testing in postnatal populations. Clinical assertions have been curated as described in Kaminsky et al. 2011.

GRCh38/hg38 18p11.32-11.22(chr18:112259-9135777)x1

Genes: LPIN2 (lipin 2; minus strand), LPIN2-AS2 (LPIN2 antisense RNA 2; plus strand), LRRC30 (leucine rich repeat containing 30; plus strand), METTL4 (methyltransferase 4, N6-adenosine; minus strand), MIR3976 (microRNA 3976; plus strand) and 194 more. Cytogenetic location: 18p11.32-11.22.
Variant type: copy number loss.
Change: copy number 1 (one copy instead of two) of chr18:112,259-9,135,777 (9.02 Mb, GRCh38 coordinates, 1-based), cytogenetic band 18p11.32-11.22.
Identifiers: ClinVar variation 59613 (VCV000059613.2).